The following is an entry in ClinVar:

NM_031935.3(HMCN1):c.10489G>C (p.Glu3497Gln)

Gene: HMCN1 (hemicentin 1; plus strand). Cytogenetic location: 1q31.1.
Variant type: single nucleotide variant.
Coding change: c.10489G>C on transcript NM_031935.3 (MANE Select); coding-DNA position 10489, G replaced by C.
Protein change: p.Glu3497Gln; replaces glutamic acid 3497 with glutamine.
Molecular consequence: missense variant.
Genome position (GRCh38, 1-based): chr1:186,095,437, G>C. VCF-style: chr1-186095437-G-C. GRCh37 (hg19) VCF-style: chr1-186064569-G-C.
Other names: short protein forms E3497Q.
Identifiers: ClinVar variation 4770710 (VCV004770710.1).

ClinVar aggregate classification (germline): Uncertain significance (1 of 4 stars; one submission).

gnomAD v4.1: 21 of 1,613,772 alleles (0.0013%); highest among the groups gnomAD compares: Non-Finnish European, 0.0018%; no homozygotes.

Submission:

Labcorp Genetics (formerly Invitae), Labcorp
Classification: Uncertain significance. Last evaluated: 2025-08-11. Review status: criteria provided, single submitter. Criteria: Invitae Variant Classification Sherloc (09022015). Collection method: clinical testing. Allele origin: germline.
Comment: This sequence change replaces glutamic acid, which is acidic and polar, with glutamine, which is neutral and polar, at codon 3497 of the HMCN1 protein (p.Glu3497Gln). This variant is not present in population databases (gnomAD no frequency). This variant has not been reported in the literature in individuals affected with HMCN1-related conditions. An algorithm developed to predict the effect of missense changes on protein structure and function (PolyPhen-2) suggests that this variant is likely to be disruptive. In summary, the available evidence is currently insufficient to determine the role of this variant in disease. Therefore, it has been classified as a Variant of Uncertain Significance.